The following is an entry in ClinVar:

ClinVar aggregate classification (germline): Likely benign. Review status: criteria provided, multiple submitters, no conflicts (2 of 4 stars). 2 submissions from 2 submitters: Likely benign (2). Last evaluated 2023-04-08.

Allele frequency attached by ClinVar (database versions not stated): gnomAD 0.00001; gnomAD exomes 0.00001.
gnomAD v4.1: 18 of 1,614,100 alleles (0.0011%); highest among the groups gnomAD compares: Non-Finnish European, 0.0014%; no homozygotes.

Submissions (2):

Labcorp Genetics (formerly Invitae), Labcorp
Classification: Likely benign. Last evaluated: 2023-04-08. Review status: criteria provided, single submitter. Criteria: Invitae Variant Classification Sherloc (09022015). Collection method: clinical testing. Allele origin: germline.

CeGaT Center for Human Genetics Tuebingen
Classification: Likely benign. Last evaluated: 2023-03-01. Review status: criteria provided, single submitter. Criteria: CeGaT Center For Human Genetics Tuebingen Variant Classification Criteria Version 2. Collection method: clinical testing. Allele origin: germline. Affected: yes. Observed: 1 variant allele.
Comment: VLDLR: BP4, BP7

NM_003383.5(VLDLR):c.939A>G (p.Lys313=)

Gene: VLDLR (very low density lipoprotein receptor; plus strand). Cytogenetic location: 9p24.2.
Variant type: single nucleotide variant.
Coding change: c.939A>G on transcript NM_003383.5 (MANE Select); coding-DNA position 939, A replaced by G.
Protein change: p.Lys313=; no amino-acid change (lysine 313 retained).
Molecular consequence: synonymous variant.
Genome position (GRCh38, 1-based): chr9:2,643,746, A>G. VCF-style: chr9-2643746-A-G. GRCh37 (hg19) VCF-style: chr9-2643746-A-G.
Other names: c.939A>G, p.Lys313= (NM_001018056.3); c.816A>G, p.Lys272= (NM_001322225.2, NM_001322226.2).
Identifiers: ClinVar variation 2499084 (VCV002499084.31), dbSNP rs1817932810, ClinGen allele CA463853179.